The following is an entry in ClinVar:

NM_004104.5(FASN):c.940G>A (p.Ala314Thr)

Gene: FASN (fatty acid synthase; minus strand). Cytogenetic location: 17q25.3.
Variant type: single nucleotide variant.
Coding change: c.940G>A on transcript NM_004104.5 (MANE Select); coding-DNA position 940, G replaced by A.
Protein change: p.Ala314Thr; replaces alanine 314 with threonine.
Molecular consequence: missense variant.
Genome position (GRCh38, 1-based): chr17:82,092,544, C>T on the plus strand (G>A on the coding strand, the complement: FASN is on the minus strand). VCF-style: chr17-82092544-C-T. GRCh37 (hg19) VCF-style: chr17-80050420-C-T.
Other names: short protein forms A314T.
Identifiers: ClinVar variation 767090 (VCV000767090.34), dbSNP rs199604315, ClinGen allele CA8853294.

ClinVar aggregate classification (germline): Likely benign. Review status: criteria provided, multiple submitters, no conflicts (2 of 4 stars). 3 submissions from 3 submitters: Likely benign (3). Last evaluated 2026-01-31.

Conditions:
Epileptic encephalopathy. Identifiers: MedGen C0543888, HP:0200134.

Allele frequency attached by ClinVar (database versions not stated): 1000 Genomes Project 30x 0.00031; ESP Exome Variant Server 0.00039; 1000 Genomes Project 0.00040; TOPMed 0.00078; gnomAD 0.00087 and 0.00088; gnomAD exomes 0.00121; ExAC 0.00196.
gnomAD v4.1: 1,910 of 1,605,146 alleles (0.12%); highest among the groups gnomAD compares: Middle Eastern, 0.27%; 2 homozygotes.

Submissions (3):

Labcorp Genetics (formerly Invitae), Labcorp
Classification: Likely benign for Epileptic encephalopathy. Last evaluated: 2026-01-31. Review status: criteria provided, single submitter. Criteria: Invitae Variant Classification Sherloc (09022015). Collection method: clinical testing. Allele origin: germline.

Blueprint Genetics
Classification: Likely benign. Last evaluated: 2024-10-29. Review status: criteria provided, single submitter. Criteria: ACMG Guidelines, 2015. Collection method: clinical testing. Allele origin: germline.

CeGaT Center for Human Genetics Tuebingen
Classification: Likely benign. Last evaluated: 2023-11-01. Review status: criteria provided, single submitter. Criteria: CeGaT Center For Human Genetics Tuebingen Variant Classification Criteria Version 2. Collection method: clinical testing. Allele origin: germline. Affected: yes. Observed: 1 variant allele.
Comment: FASN: BP4